The following is an entry in ClinVar:

NM_004341.5(CAD):c.1370C>T (p.Pro457Leu)

Gene: CAD (carbamoyl-phosphate synthetase 2, aspartate transcarbamylase, and dihydroorotase; plus strand). Cytogenetic location: 2p23.3.
Variant type: single nucleotide variant.
Coding change: c.1370C>T on transcript NM_004341.5 (MANE Select); coding-DNA position 1370, C replaced by T.
Protein change: p.Pro457Leu; replaces proline 457 with leucine.
Molecular consequence: missense variant.
Genome position (GRCh38, 1-based): chr2:27,224,860, C>T. VCF-style: chr2-27224860-C-T. GRCh37 (hg19) VCF-style: chr2-27447728-C-T.
Other names: c.1370C>T, p.Pro457Leu (NM_001306079.2); short protein forms P457L.
Identifiers: ClinVar variation 1387020 (VCV001387020.3), dbSNP rs769007549, ClinGen allele CA1572683.

ClinVar aggregate classification (germline): Uncertain significance (1 of 4 stars; one submission).

Allele frequency attached by ClinVar (database versions not stated): ExAC 0.00001; gnomAD exomes 0.00001 and 0.00002; TOPMed 0.00002.
gnomAD v4.1: 5 of 1,614,198 alleles (0.00031%); highest among the groups gnomAD compares: Admixed American, 0.0083%; no homozygotes.

Submission:

Labcorp Genetics (formerly Invitae), Labcorp
Classification: Uncertain significance. Last evaluated: 2022-03-28. Review status: criteria provided, single submitter. Criteria: Invitae Variant Classification Sherloc (09022015). Collection method: clinical testing. Allele origin: germline.
Comment: This sequence change replaces proline, which is neutral and non-polar, with leucine, which is neutral and non-polar, at codon 457 of the CAD protein (p.Pro457Leu). This variant is present in population databases (rs769007549, gnomAD 0.01%). This variant has not been reported in the literature in individuals affected with CAD-related conditions. Algorithms developed to predict the effect of missense changes on protein structure and function output the following: SIFT: "Tolerated"; PolyPhen-2: "Benign"; Align-GVGD: "Class C0". The leucine amino acid residue is found in multiple mammalian species, which suggests that this missense change does not adversely affect protein function. In summary, the available evidence is currently insufficient to determine the role of this variant in disease. Therefore, it has been classified as a Variant of Uncertain Significance.